The following is an entry in ClinVar:

NM_006206.6(PDGFRA):c.2977T>C (p.Tyr993His)

Gene: PDGFRA (platelet derived growth factor receptor alpha; plus strand). Cytogenetic location: 4q12.
Variant type: single nucleotide variant.
Coding change: c.2977T>C on transcript NM_006206.6 (MANE Select); coding-DNA position 2977, T replaced by C.
Protein change: p.Tyr993His; replaces tyrosine 993 with histidine.
Molecular consequence: missense variant.
Genome position (GRCh38, 1-based): chr4:54,290,409, T>C. VCF-style: chr4-54290409-T-C. GRCh37 (hg19) VCF-style: chr4-55156576-T-C.
Other names: c.3052T>C, p.Tyr1018His (NM_001347828.2); c.2977T>C, p.Tyr993His (NM_001347829.2); c.3016T>C, p.Tyr1006His (NM_001347830.2); c.2977T>C (NM_006206.4); short protein forms Y1018H, Y1006H, Y993H.
Identifiers: ClinVar variation 1418482 (VCV001418482.9), dbSNP rs952413151, ClinGen allele CA356896106.

ClinVar aggregate classification (germline): Uncertain significance. Review status: criteria provided, multiple submitters, no conflicts (2 of 4 stars). 2 submissions from 2 submitters: Uncertain significance (2). Last evaluated 2023-09-06.

Conditions:
Hereditary cancer-predisposing syndrome. Also called: Tumor predisposition; Hereditary Cancer Syndrome; Hereditary neoplastic syndrome; Neoplastic Syndromes, Hereditary. Identifiers: Orphanet 140162, MedGen C0027672, MeSH D009386, MONDO:0015356.
Gastrointestinal stromal tumor. Also called: Gastrointestinal stroma tumor; Gastrointestinal stromal tumor, somatic. Identifiers: Orphanet 44890, MedGen C0238198, MeSH D046152, MONDO:0011719, OMIM 606764, HP:0100723.

gnomAD v4.1: 1 of 1,613,978 alleles (0.000062%); highest among the groups gnomAD compares: South Asian, 0.0011%; no homozygotes.

Submissions (2):

Labcorp Genetics (formerly Invitae), Labcorp
Classification: Uncertain significance for Gastrointestinal stromal tumor. Last evaluated: 2023-09-06. Review status: criteria provided, single submitter. Criteria: Invitae Variant Classification Sherloc (09022015). Collection method: clinical testing. Allele origin: germline.
Comment: Advanced modeling of protein sequence and biophysical properties (such as structural, functional, and spatial information, amino acid conservation, physicochemical variation, residue mobility, and thermodynamic stability) performed at Invitae indicates that this missense variant is not expected to disrupt PDGFRA protein function. In summary, the available evidence is currently insufficient to determine the role of this variant in disease. Therefore, it has been classified as a Variant of Uncertain Significance. ClinVar contains an entry for this variant (Variation ID: 1418482). This sequence change replaces tyrosine, which is neutral and polar, with histidine, which is basic and polar, at codon 993 of the PDGFRA protein (p.Tyr993His). This variant is not present in population databases (gnomAD no frequency). This variant has not been reported in the literature in individuals affected with PDGFRA-related conditions.

Ambry Genetics
Classification: Uncertain significance for Hereditary cancer-predisposing syndrome. Last evaluated: 2023-05-27. Review status: criteria provided, single submitter. Criteria: Ambry Variant Classification Scheme 2023. Collection method: clinical testing. Allele origin: germline.
Comment: The p.Y993H variant (also known as c.2977T>C), located in coding exon 21 of the PDGFRA gene, results from a T to C substitution at nucleotide position 2977. The tyrosine at codon 993 is replaced by histidine, an amino acid with similar properties. This amino acid position is conserved. In addition, this alteration is predicted to be tolerated by in silico analysis. Since supporting evidence is limited at this time, the clinical significance of this alteration remains unclear.